The following is an entry in ClinVar:

NM_003718.5(CDK13):c.67dup (p.Glu23fs)

Gene: CDK13 (cyclin dependent kinase 13; plus strand). Cytogenetic location: 7p14.1.
Variant type: Duplication.
Coding change: c.67dup on transcript NM_003718.5 (MANE Select); coding-DNA position 67, one base duplicated (G; older notation c.67dupG).
Protein change: p.Glu23fs; shifts the reading frame from glutamic acid 23.
Molecular consequence: frameshift variant.
Genome position (GRCh38, 1-based): chr7:39,950,708, G duplicated; the last of 2 consecutive G bases (chr7:39,950,707-39,950,708); duplicating either gives the same sequence. VCF-style (leftmost placement, unchanged base first): chr7-39950706-T-TG. GRCh37 (hg19) VCF-style: chr7-39990305-T-TG.
Other names: c.67dup, p.Glu23Glyfs (NM_031267.4); short protein forms E23fs.
Identifiers: ClinVar variation 4072545 (VCV004072545.1).
Genomic context (GRCh38, chr7:39,950,706, plus strand): 5'-CGAGCAGCTCGGACACGGCGCTGGGGGGAGGCGGGGGCCTGAGCTGGGCGGAGAAGAAGT[T>TG]GGAGGAACGCCGCAAGCGGAGGCGATTCCTGTCCCCTCAGCAGCCGCCGCTGCTGTTGCC-3'

ClinVar aggregate classification (germline): Uncertain significance (1 of 4 stars; one submission).

Submission:

GeneDx
Classification: Uncertain significance. Last evaluated: 2025-01-29. Review status: criteria provided, single submitter. Criteria: GeneDx Variant Classification Process June 2021. Collection method: clinical testing. Allele origin: germline. Affected: yes.
Comment: Not observed at significant frequency in large population cohorts (gnomAD); Has not been previously published as pathogenic or benign to our knowledge; Frameshift variant predicted to result in protein truncation or nonsense mediated decay in a gene for which loss-of-function is not an established mechanism of disease